The following is an entry in ClinVar:

NM_000018.4(ACADVL):c.708_709del (p.Cys237fs)

Gene: ACADVL (acyl-CoA dehydrogenase very long chain; plus strand). Cytogenetic location: 17p13.1.
Variant type: Deletion.
Coding change: c.708_709del on transcript NM_000018.4 (MANE Select); coding-DNA positions 708 to 709, 2 bases deleted (CT; older notation c.708_709delCT).
Protein change: p.Cys237fs; shifts the reading frame from cysteine 237.
Molecular consequence: frameshift variant.
Genome position (GRCh38, 1-based): chr17:7,222,037-7,222,038, CT deleted. VCF-style (leftmost placement, unchanged base first): chr17-7222036-CCT-C. GRCh37 (hg19) VCF-style: chr17-7125355-CCT-C.
Other names: c.708_709del (NM_000018.2); c.642_643del, p.Cys215fs (NM_001033859.3); c.777_778del, p.Cys260fs (NM_001270447.2); c.480_481del, p.Cys161fs (NM_001270448.2); short protein forms C161fs, C260fs, C215fs, C237fs.
Identifiers: ClinVar variation 495345 (VCV000495345.10), dbSNP rs1555528304, ClinGen allele CA658683975.

ClinVar aggregate classification (germline): Pathogenic/Likely pathogenic. Review status: criteria provided, multiple submitters, no conflicts (2 of 4 stars). 6 submissions from 6 submitters: Pathogenic (4); Likely pathogenic (1). 1 of the submissions does not count toward it. Last evaluated 2024-06-14.

Conditions:
Very long chain acyl-CoA dehydrogenase deficiency (ACADVLD). Also called: VLCAD Deficiency; Very Long-Chain Acyl-Coenzyme A Dehydrogenase Deficiency. Identifiers: Orphanet 26793, MedGen C3887523, MONDO:0008723, OMIM 201475.

Allele frequency attached by ClinVar (database versions not stated): gnomAD exomes below 0.00001.

Submissions (6):

GeneDx
Classification: Pathogenic. Last evaluated: 2024-06-14. Review status: criteria provided, single submitter. Criteria: GeneDx Variant Classification Process June 2021. Collection method: clinical testing. Allele origin: germline. Affected: yes.
Comment: Frameshift variant predicted to result in protein truncation or nonsense mediated decay in a gene for which loss of function is a known mechanism of disease; Not observed at significant frequency in large population cohorts (gnomAD); This variant is associated with the following publications: (PMID: 34426522, 11590124, 11349232, 9973285, 35281659)

Labcorp Genetics (formerly Invitae), Labcorp
Classification: Pathogenic for Very long chain acyl-CoA dehydrogenase deficiency. Last evaluated: 2023-08-21. Review status: criteria provided, single submitter. Criteria: Invitae Variant Classification Sherloc (09022015). Collection method: clinical testing. Allele origin: germline.
Comment: ClinVar contains an entry for this variant (Variation ID: 495345). For these reasons, this variant has been classified as Pathogenic. This premature translational stop signal has been observed in individual(s) with clinical features of very long-chain acyl-CoA dehydrogenase deficiency (PMID: 9973285). This variant is not present in population databases (gnomAD no frequency). This sequence change creates a premature translational stop signal (p.Cys237Trpfs*15) in the ACADVL gene. It is expected to result in an absent or disrupted protein product. Loss-of-function variants in ACADVL are known to be pathogenic (PMID: 9973285, 11590124).

Baylor Genetics
Classification: Pathogenic for Very long chain acyl-CoA dehydrogenase deficiency. Last evaluated: 2022-10-03. Review status: criteria provided, single submitter. Criteria: ACMG Guidelines, 2015. Collection method: clinical testing. Allele origin: unknown.

Fulgent Genetics
Classification: Pathogenic for Very long chain acyl-CoA dehydrogenase deficiency. Last evaluated: 2021-10-29. Review status: criteria provided, single submitter. Criteria: ACMG Guidelines, 2015. Collection method: clinical testing. Allele origin: unknown.

Women's Health and Genetics/Laboratory Corporation of America, LabCorp
Classification: Likely pathogenic for Pearson syndrome. Last evaluated: 2016-03-04. Review status: criteria provided, single submitter. Criteria: LabCorp Variant Classification Summary - May 2015. Collection method: clinical testing. Allele origin: germline.

Counsyl
Classification: Likely pathogenic for Very long chain acyl-CoA dehydrogenase deficiency. Last evaluated: 2017-09-24. Review status: no assertion criteria provided. Collection method: clinical testing. Allele origin: unknown. Not counted in ClinVar's aggregate classification.

Literature cited by the submitters: PubMed 9973285 (cited by Labcorp Genetics (formerly Invitae), Labcorp and Counsyl); PubMed 11590124 (cited by Labcorp Genetics (formerly Invitae), Labcorp); PubMed 11349232 (cited by Women's Health and Genetics/Laboratory Corporation of America, LabCorp).